The following is an entry in ClinVar:

NM_052867.4(NALCN):c.3251T>A (p.Phe1084Tyr)

Gene: NALCN (sodium leak channel, non-selective; minus strand). Cytogenetic location: 13q32.3.
Variant type: single nucleotide variant.
Coding change: c.3251T>A on transcript NM_052867.4 (MANE Select); coding-DNA position 3251, T replaced by A.
Protein change: p.Phe1084Tyr; replaces phenylalanine 1084 with tyrosine.
Molecular consequence: missense variant.
Genome position (GRCh38, 1-based): chr13:101,095,592, A>T on the plus strand (T>A on the coding strand, the complement: NALCN is on the minus strand). VCF-style: chr13-101095592-A-T. GRCh37 (hg19) VCF-style: chr13-101747943-A-T.
Other names: c.3338T>A, p.Phe1113Tyr (NM_001350748.2); c.3251T>A, p.Phe1084Tyr (NM_001350749.2); c.3164T>A, p.Phe1055Tyr (NM_001350750.2, NM_001350751.2); short protein forms F1055Y, F1084Y, F1113Y.
Identifiers: ClinVar variation 5025346 (VCV005025346.1).

ClinVar aggregate classification (germline): Uncertain significance (1 of 4 stars; one submission).

Conditions:
Inborn genetic diseases. Identifiers: MedGen C0950123, MeSH D030342.

gnomAD v4.1: 2 of 1,612,732 alleles (0.00012%); highest among the groups gnomAD compares: African/African-American, 0.0027%; no homozygotes.

Submission:

Ambry Genetics
Classification: Uncertain significance for Inborn genetic diseases. Last evaluated: 2026-07-13. Review status: criteria provided, single submitter. Criteria: Ambry Variant Classification Scheme 2023. Collection method: clinical testing. Allele origin: germline.
Comment: The c.3251T>A (p.F1084Y) alteration is located in exon 28 (coding exon 27) of the NALCN gene. This alteration results from a T to A substitution at nucleotide position 3251, causing the phenylalanine (F) at amino acid position 1084 to be replaced by a tyrosine (Y). Based on data from gnomAD, the A allele has an overall frequency of 0.003% (1/31396) total alleles studied. The highest observed frequency was 0.012% (1/8714) of African alleles. Based on insufficient or conflicting evidence, the clinical significance of this alteration remains unclear.